The following is an entry in ClinVar:

NM_000051.4(ATM):c.1019C>G (p.Ala340Gly)

Gene: ATM (ATM serine/threonine kinase; plus strand). Cytogenetic location: 11q22.3.
Variant type: single nucleotide variant.
Coding change: c.1019C>G on transcript NM_000051.4 (MANE Select); coding-DNA position 1019, C replaced by G.
Protein change: p.Ala340Gly; replaces alanine 340 with glycine.
Molecular consequence: missense variant.
Genome position (GRCh38, 1-based): chr11:108,247,081, C>G. VCF-style: chr11-108247081-C-G. GRCh37 (hg19) VCF-style: chr11-108117808-C-G.
Other names: p.A340G:GCC>GGC; c.1019C>G, p.Ala340Gly (NM_001351834.2); short protein forms A340G.
Identifiers: ClinVar variation 181988 (VCV000181988.13), dbSNP rs730881387, ClinGen allele CA298333.

ClinVar aggregate classification (germline): Uncertain significance. Review status: criteria provided, multiple submitters, no conflicts (2 of 4 stars). 3 submissions from 3 submitters: Uncertain significance (3). Last evaluated 2025-08-20.

Conditions:
Hereditary cancer-predisposing syndrome. Also called: Tumor predisposition; Hereditary Cancer Syndrome; Hereditary neoplastic syndrome; Neoplastic Syndromes, Hereditary. Identifiers: Orphanet 140162, MedGen C0027672, MeSH D009386, MONDO:0015356.
Ataxia-telangiectasia syndrome (AT). Also called: LOUIS-BAR SYNDROME; Cerebello-oculocutaneous telangiectasia; Immunodeficiency with ataxia telangiectasia; ATAXIA-TELANGIECTASIA, COMPLEMENTATION GROUP A; ATAXIA-TELANGIECTASIA, FRESNO VARIANT; Ataxia-telangiectasia. Identifiers: Orphanet 100, MedGen C0004135, MONDO:0008840, OMIM 208900.

Allele frequency attached by ClinVar (database versions not stated): gnomAD exomes below 0.00001.
gnomAD v4.1: 4 of 1,613,766 alleles (0.00025%); highest among the groups gnomAD compares: Non-Finnish European, 0.00025%; no homozygotes.

Submissions (3):

Labcorp Genetics (formerly Invitae), Labcorp
Classification: Uncertain significance for Ataxia-telangiectasia syndrome. Last evaluated: 2025-08-20. Review status: criteria provided, single submitter. Criteria: Invitae Variant Classification Sherloc (09022015). Collection method: clinical testing. Allele origin: germline.
Comment: This sequence change replaces alanine, which is neutral and non-polar, with glycine, which is neutral and non-polar, at codon 340 of the ATM protein (p.Ala340Gly). This variant is not present in population databases (gnomAD no frequency). This variant has not been reported in the literature in individuals affected with ATM-related conditions. ClinVar contains an entry for this variant (Variation ID: 181988). Invitae Evidence Modeling of protein sequence and biophysical properties (such as structural, functional, and spatial information, amino acid conservation, physicochemical variation, residue mobility, and thermodynamic stability) indicates that this missense variant is not expected to disrupt ATM protein function with a negative predictive value of 95%. In summary, the available evidence is currently insufficient to determine the role of this variant in disease. Therefore, it has been classified as a Variant of Uncertain Significance.

Ambry Genetics
Classification: Uncertain significance for Hereditary cancer-predisposing syndrome. Last evaluated: 2025-05-22. Review status: criteria provided, single submitter. Criteria: Ambry Variant Classification Scheme 2023. Collection method: clinical testing. Allele origin: germline.
Comment: The p.A340G variant (also known as c.1019C>G), located in coding exon 7 of the ATM gene, results from a C to G substitution at nucleotide position 1019. The alanine at codon 340 is replaced by glycine, an amino acid with similar properties. This amino acid position is conserved. In addition, the in silico prediction for this alteration is inconclusive. Since supporting evidence is limited at this time, the clinical significance of this alteration remains unclear.

GeneDx
Classification: Uncertain significance. Last evaluated: 2018-07-23. Review status: criteria provided, single submitter. Criteria: GeneDx Variant Classification (06012015). Collection method: clinical testing. Allele origin: germline. Affected: yes.
Comment: This variant is denoted ATM c.1019C>G at the cDNA level, p.Ala340Gly (A340G) at the protein level, and results in the change of an Alanine to a Glycine (GCC>GGC). This variant has not, to our knowledge, been published in the literature as a pathogenic or benign germline variant. ATM Ala340Gly was not observed in large population cohorts (Lek 2016). This variant is not located in a known functional domain. In silico analysis, which includes protein predictors and evolutionary conservation, supports that this variant does not alter protein structure/function. Based on currently available evidence, it is unclear whether ATM Ala340Gly is a pathogenic or benign variant. We consider it to be a variant of uncertain significance.